The following is an entry in ClinVar:

ClinVar aggregate classification (germline): Uncertain significance (1 of 4 stars; one submission).

Submission:

Mayo Clinic Laboratories, Mayo Clinic
Classification: Uncertain significance. Last evaluated: 2024-03-19. Review status: criteria provided, single submitter. Criteria: ACMG Guidelines, 2015. Collection method: clinical testing. Allele origin: germline. Observed: 2 variant alleles.
Comment: BP4, PM2

Literature cited by the submitters: PubMed 11571556.

NM_001009944.3(PKD1):c.7555C>G (p.Gln2519Glu)

Gene: PKD1 (polycystin 1, transient receptor potential channel interacting; minus strand). Cytogenetic location: 16p13.3.
Variant type: single nucleotide variant.
Coding change: c.7555C>G on transcript NM_001009944.3 (MANE Select); coding-DNA position 7555, C replaced by G.
Protein change: p.Gln2519Glu; replaces glutamine 2519 with glutamic acid.
Molecular consequence: missense variant.
Genome position (GRCh38, 1-based): chr16:2,106,239, G>C on the plus strand (C>G on the coding strand, the complement: PKD1 is on the minus strand). VCF-style: chr16-2106239-G-C. GRCh37 (hg19) VCF-style: chr16-2156240-G-C.
Other names: p.Gln2519Glu; c.7555C>G, p.Gln2519Glu (NM_000296.4); short protein forms Q2519E.
Identifiers: ClinVar variation 3380350 (VCV003380350.1).